The following is an entry in ClinVar:

ClinVar aggregate classification (germline): Uncertain significance (1 of 4 stars; one submission).

Conditions:
Hereditary cancer-predisposing syndrome. Also called: Neoplastic Syndromes, Hereditary; Tumor predisposition; Hereditary Cancer Syndrome; Hereditary neoplastic syndrome. Identifiers: Orphanet 140162, MedGen C0027672, MeSH D009386, MONDO:0015356.

Submission:

Ambry Genetics
Classification: Uncertain significance for Hereditary cancer-predisposing syndrome. Last evaluated: 2026-02-23. Review status: criteria provided, single submitter. Criteria: Ambry Variant Classification Scheme 2023. Collection method: clinical testing. Allele origin: germline.
Comment: The p.M337V variant (also known as c.1009A>G), located in coding exon 3 of the AXIN2 gene, results from an A to G substitution at nucleotide position 1009. The methionine at codon 337 is replaced by valine, an amino acid with highly similar properties. This amino acid position is conserved. In addition, the in silico prediction for this alteration is inconclusive. Based on the available evidence, the clinical significance of this variant remains unclear.

NM_004655.4(AXIN2):c.1009A>G (p.Met337Val)

Gene: AXIN2 (axin 2; minus strand). Cytogenetic location: 17q24.1.
Variant type: single nucleotide variant.
Coding change: c.1009A>G on transcript NM_004655.4 (MANE Select); coding-DNA position 1009, A replaced by G.
Protein change: p.Met337Val; replaces methionine 337 with valine.
Molecular consequence: missense variant.
Genome position (GRCh38, 1-based): chr17:65,541,505, T>C on the plus strand (A>G on the coding strand, the complement: AXIN2 is on the minus strand). VCF-style: chr17-65541505-T-C. GRCh37 (hg19) VCF-style: chr17-63537623-T-C.
Other names: c.1009A>G, p.Met337Val (NM_001363813.1); short protein forms M337V.
Identifiers: ClinVar variation 4826938 (VCV004826938.1).